The following is an entry in ClinVar:

ClinVar aggregate classification (germline): Uncertain significance (1 of 4 stars; one submission).

Conditions:
Neurodevelopmental disorder with hypotonia, seizures, and absent language (NDHSAL). Identifiers: MedGen C4310643, MONDO:0014995, OMIM 617268.

gnomAD v4.1: 1 of 1,614,198 alleles (0.000062%); highest among the groups gnomAD compares: Admixed American, 0.0017%; no homozygotes.

Submission:

Servicio de Genética Del Instituto Nacional de Salud Del Niño, Ministerio de Salud
Classification: Uncertain significance for Neurodevelopmental disorder with hypotonia, seizures, and absent language. Last evaluated: 2024-11-18. Review status: criteria provided, single submitter. Criteria: ACMG Guidelines, 2015. Collection method: clinical testing. Allele origin: germline. Inheritance: Autosomal dominant inheritance.
Comment: The variant NM_001348768.2:c.1522C>G results in the substitution of leucine with valine at position 508 in the protein. Both leucine and valine are non-polar, hydrophobic amino acids, and this substitution may not significantly affect the protein's structure. However, the potential impact on protein function is uncertain. Based on PP2 (conservation of the amino acid across species) and BP4 (supporting data from computational predictions of benign impact), this variant is classified as uncertain significance

NM_001348768.2(HECW2):c.1522C>G (p.Leu508Val)

Gene: HECW2 (HECT, C2 and WW domain containing E3 ubiquitin protein ligase 2; minus strand). Cytogenetic location: 2q32.3.
Variant type: single nucleotide variant.
Coding change: c.1522C>G on transcript NM_001348768.2 (MANE Select); coding-DNA position 1522, C replaced by G.
Protein change: p.Leu508Val; replaces leucine 508 with valine.
Molecular consequence: missense variant.
Genome position (GRCh38, 1-based): chr2:196,319,368, G>C on the plus strand (C>G on the coding strand, the complement: HECW2 is on the minus strand). VCF-style: chr2-196319368-G-C. GRCh37 (hg19) VCF-style: chr2-197184092-G-C.
Other names: c.454C>G, p.Leu152Val (NM_001304840.3); c.1522C>G, p.Leu508Val (NM_020760.4); short protein forms L152V, L508V.
Identifiers: ClinVar variation 3381249 (VCV003381249.2).